The following is an entry in ClinVar:

ClinVar aggregate classification (germline): Uncertain significance. Review status: criteria provided, multiple submitters, no conflicts (2 of 4 stars). 2 submissions from 2 submitters: Uncertain significance (2). Last evaluated 2025-06-23.

Conditions:
Inborn genetic diseases. Identifiers: MedGen C0950123, MeSH D030342.
Autosomal recessive axonal neuropathy with neuromyotonia (NMAN). Also called: Gamstorp-Wohlfart syndrome; Neuromyotonia and axonal neuropathy, autosomal recessive; MYOKYMIA, MYOTONIA, AND MUSCLE WASTING. Identifiers: Orphanet 324442, MedGen C5700127, MONDO:0007646, OMIM 137200.

Allele frequency attached by ClinVar (database versions not stated): gnomAD exomes 0.00001 and 0.00003.
gnomAD v4.1: 7 of 1,613,730 alleles (0.00043%); highest among the groups gnomAD compares: Admixed American, 0.01%; no homozygotes.

Submissions (2):

Ambry Genetics
Classification: Uncertain significance for Inborn genetic diseases. Last evaluated: 2025-06-23. Review status: criteria provided, single submitter. Criteria: Ambry Variant Classification Scheme 2023. Collection method: clinical testing. Allele origin: germline.

Labcorp Genetics (formerly Invitae), Labcorp
Classification: Uncertain significance for Autosomal recessive axonal neuropathy with neuromyotonia. Last evaluated: 2022-07-06. Review status: criteria provided, single submitter. Criteria: Invitae Variant Classification Sherloc (09022015). Collection method: clinical testing. Allele origin: germline.
Comment: This sequence change replaces aspartic acid, which is acidic and polar, with tyrosine, which is neutral and polar, at codon 35 of the HINT1 protein (p.Asp35Tyr). This variant is present in population databases (no rsID available, gnomAD 0.02%). This variant has not been reported in the literature in individuals affected with HINT1-related conditions. ClinVar contains an entry for this variant (Variation ID: 1436275). Algorithms developed to predict the effect of missense changes on protein structure and function are either unavailable or do not agree on the potential impact of this missense change (SIFT: "Deleterious"; PolyPhen-2: "Probably Damaging"; Align-GVGD: "Class C15"). Algorithms developed to predict the effect of sequence changes on RNA splicing suggest that this variant may create or strengthen a splice site. In summary, the available evidence is currently insufficient to determine the role of this variant in disease. Therefore, it has been classified as a Variant of Uncertain Significance.

NM_005340.7(HINT1):c.103G>T (p.Asp35Tyr)

Gene: HINT1 (histidine triad nucleotide binding protein 1; minus strand). Cytogenetic location: 5q23.3.
Variant type: single nucleotide variant.
Coding change: c.103G>T on transcript NM_005340.7 (MANE Select); coding-DNA position 103, G replaced by T.
Protein change: p.Asp35Tyr; replaces aspartic acid 35 with tyrosine.
Molecular consequence: missense variant. On other transcripts: non-coding transcript variant (5).
Genome position (GRCh38, 1-based): chr5:131,165,103, C>A on the plus strand (G>T on the coding strand, the complement: HINT1 is on the minus strand). VCF-style: chr5-131165103-C-A. GRCh37 (hg19) VCF-style: chr5-130500796-C-A.
Other names: c.103G>T (NM_005340.5); short protein forms D35Y.
Identifiers: ClinVar variation 1436275 (VCV001436275.6), dbSNP rs1344585939, ClinGen allele CA360838994.